The following is an entry in ClinVar:

ClinVar aggregate classification (germline): Uncertain significance. Review status: criteria provided, multiple submitters, no conflicts (2 of 4 stars). 2 submissions from 2 submitters: Uncertain significance (2). Last evaluated 2025-06-22.

Allele frequency attached by ClinVar (database versions not stated): TOPMed 0.00004; ESP Exome Variant Server 0.00008.

Submissions (2):

Labcorp Genetics (formerly Invitae), Labcorp
Classification: Uncertain significance. Last evaluated: 2025-06-22. Review status: criteria provided, single submitter. Criteria: Invitae Variant Classification Sherloc (09022015). Collection method: clinical testing. Allele origin: germline.
Comment: This sequence change replaces threonine, which is neutral and polar, with lysine, which is basic and polar, at codon 573 of the SLC9A3 protein (p.Thr573Lys). This variant is present in population databases (rs148343380, gnomAD 0.009%). This variant has not been reported in the literature in individuals affected with SLC9A3-related conditions. ClinVar contains an entry for this variant (Variation ID: 1449254). An algorithm developed to predict the effect of missense changes on protein structure and function (PolyPhen-2) suggests that this variant is likely to be tolerated. In summary, the available evidence is currently insufficient to determine the role of this variant in disease. Therefore, it has been classified as a Variant of Uncertain Significance.

Breakthrough Genomics
Classification: Uncertain significance. Review status: criteria provided, single submitter. Criteria: ACMG Guidelines, 2015. Collection method: not provided. Allele origin: germline. Inheritance: Autosomal recessive inheritance. Affected: yes.

NM_004174.4(SLC9A3):c.1718C>A (p.Thr573Lys)

Genes: SLC9A3 (solute carrier family 9 member A3), SLC9A3-AS1 (SLC9A3 antisense RNA 1; plus strand). Cytogenetic location: 5p15.33.
Variant type: single nucleotide variant.
Coding change: c.1718C>A on transcript NM_004174.4 (MANE Select); coding-DNA position 1718, C replaced by A.
Protein change: p.Thr573Lys; replaces threonine 573 with lysine.
Molecular consequence: missense variant.
Genome position (GRCh38, 1-based): chr5:477,374, G>T on the plus strand (C>A on the coding strand, the complement: SLC9A3 is on the minus strand). VCF-style: chr5-477374-G-T. GRCh37 (hg19) VCF-style: chr5-477489-G-T.
Other names: c.1691C>A, p.Thr564Lys (NM_001284351.3); short protein forms T564K, T573K.
Identifiers: ClinVar variation 1449254 (VCV001449254.7), dbSNP rs148343380, ClinGen allele CA3175757.